The following is an entry in ClinVar:

NM_032578.4(MYPN):c.400G>A (p.Glu134Lys)

Gene: MYPN (myopalladin; plus strand). Cytogenetic location: 10q21.3.
Variant type: single nucleotide variant.
Coding change: c.400G>A on transcript NM_032578.4 (MANE Select); coding-DNA position 400, G replaced by A.
Protein change: p.Glu134Lys; replaces glutamic acid 134 with lysine.
Molecular consequence: missense variant. On other transcripts: 5 prime UTR variant (1), non-coding transcript variant (1).
Genome position (GRCh38, 1-based): chr10:68,121,838, G>A. VCF-style: chr10-68121838-G-A. GRCh37 (hg19) VCF-style: chr10-69881595-G-A.
Other names: c.400G>A, p.Glu134Lys (NM_001256267.2); c.-723G>A (NM_001256268.2); short protein forms E134K.
Identifiers: ClinVar variation 2572963 (VCV002572963.1), dbSNP rs2495462875, ClinGen allele CA377104262.

ClinVar aggregate classification (germline): Uncertain significance (1 of 4 stars; one submission).

Allele frequency attached by ClinVar (database versions not stated): gnomAD exomes below 0.00001.
gnomAD v4.1: 1 of 1,614,048 alleles (0.000062%); highest among the groups gnomAD compares: Non-Finnish European, 0.000085%; no homozygotes.

Submission:

GeneDx
Classification: Uncertain significance. Last evaluated: 2023-01-12. Review status: criteria provided, single submitter. Criteria: GeneDx Variant Classification Process June 2021. Collection method: clinical testing. Allele origin: germline. Affected: yes.
Comment: Not observed at significant frequency in large population cohorts (gnomAD); In silico analysis supports that this missense variant does not alter protein structure/function; Has not been previously published as pathogenic or benign to our knowledge